The following is an entry in ClinVar:

ClinVar aggregate classification (germline): Conflicting classifications of pathogenicity. Review status: criteria provided, conflicting classifications (1 of 4 stars). 3 submissions from 3 submitters: Uncertain significance (2); Likely benign (1). Last evaluated 2024-09-04.

Conditions:
Inborn genetic diseases. Identifiers: MedGen C0950123, MeSH D030342.

Allele frequency attached by ClinVar (database versions not stated): gnomAD 0.00001; gnomAD exomes 0.00001; TOPMed 0.00001.
gnomAD v4.1: 17 of 1,204,839 alleles (0.0014%); highest among the groups gnomAD compares: African/African-American, 0.007%; no homozygotes.

Submissions (3):

GeneDx
Classification: Uncertain significance. Last evaluated: 2024-09-04. Review status: criteria provided, single submitter. Criteria: GeneDx Variant Classification Process June 2021. Collection method: clinical testing. Allele origin: germline. Affected: yes.
Comment: In silico analysis supports that this missense variant has a deleterious effect on protein structure/function; Has not been previously published as pathogenic or benign to our knowledge

CeGaT Center for Human Genetics Tuebingen
Classification: Uncertain significance. Last evaluated: 2023-07-01. Review status: criteria provided, single submitter. Criteria: CeGaT Center For Human Genetics Tuebingen Variant Classification Criteria Version 2. Collection method: clinical testing. Allele origin: germline. Affected: yes. Observed: 1 variant allele.

Ambry Genetics
Classification: Likely benign for Inborn genetic diseases. Last evaluated: 2022-07-08. Review status: criteria provided, single submitter. Criteria: Ambry Variant Classification Scheme 2023. Collection method: clinical testing. Allele origin: germline.

NM_002547.3(OPHN1):c.1490G>A (p.Arg497Gln)

Gene: OPHN1 (oligophrenin 1; minus strand). Cytogenetic location: Xq12.
Variant type: single nucleotide variant.
Coding change: c.1490G>A on transcript NM_002547.3 (MANE Select); coding-DNA position 1490, G replaced by A.
Protein change: p.Arg497Gln; replaces arginine 497 with glutamine.
Molecular consequence: missense variant.
Genome position (GRCh38, 1-based): chrX:68,111,890, C>T on the plus strand (G>A on the coding strand, the complement: OPHN1 is on the minus strand). VCF-style: chrX-68111890-C-T. GRCh37 (hg19) VCF-style: chrX-67331732-C-T.
Other names: short protein forms R497Q.
Identifiers: ClinVar variation 2300429 (VCV002300429.28), dbSNP rs1297484256, ClinGen allele CA413431625.
Genomic context (GRCh38, chrX:68,111,890, plus strand): 5'-TCTGAAAATCCAGCAGTTACTTACTTGACCAAGTGTCTTATCAGAAGTTCCAGCATCTCT[C>T]GGTTCTTTTCTGGTAGCTTATATACCAGGGAGTGAATAGCTCCTAGGCGGTAATCCAGGT-3'
Protein context (NP_002538.1, residues 487-507): SLVYKLPEKN[Arg497Gln]EMLELLIRHL